The following is an entry in ClinVar:

NM_005560.6(LAMA5):c.859-6G>A

Gene: LAMA5 (laminin subunit alpha 5; minus strand). Cytogenetic location: 20q13.33.
Variant type: single nucleotide variant.
Coding change: c.859-6G>A on transcript NM_005560.6 (MANE Select); 6 bases into the intron before coding-DNA position 859, G replaced by A.
Molecular consequence: intron variant.
Genome position (GRCh38, 1-based): chr20:62,351,807, C>T on the plus strand (G>A on the coding strand, the complement: LAMA5 is on the minus strand). VCF-style: chr20-62351807-C-T. GRCh37 (hg19) VCF-style: chr20-60926863-C-T.
Other names: c.859-6G>A (NM_005560.3).
Identifiers: ClinVar variation 1980512 (VCV001980512.5), dbSNP rs200951269, ClinGen allele CA9944240.

ClinVar aggregate classification (germline): Conflicting classifications of pathogenicity. Review status: criteria provided, conflicting classifications (1 of 4 stars). 2 submissions from 2 submitters: Uncertain significance (1); Likely benign (1). Last evaluated 2024-06-03.

Conditions:
Inborn genetic diseases. Identifiers: MedGen C0950123, MeSH D030342.

gnomAD v4.1: 37 of 1,599,472 alleles (0.0023%); highest among the groups gnomAD compares: East Asian, 0.081%; no homozygotes.

Submissions (2):

Labcorp Genetics (formerly Invitae), Labcorp
Classification: Likely benign. Last evaluated: 2024-06-03. Review status: criteria provided, single submitter. Criteria: Invitae Variant Classification Sherloc (09022015). Collection method: clinical testing. Allele origin: germline.

Ambry Genetics
Classification: Uncertain significance for Inborn genetic diseases. Last evaluated: 2024-03-27. Review status: criteria provided, single submitter. Criteria: Ambry Variant Classification Scheme 2023. Collection method: clinical testing. Allele origin: germline.
Comment: The c.859-6G>A intronic alteration consists of a G to A substitution 6 nucleotides before coding exon 6 in the LAMA5 gene. Based on insufficient or conflicting evidence, the clinical significance of this alteration remains unclear.